The following is an entry in ClinVar:

NM_003072.5(SMARCA4):c.3216-168A>G

Gene: SMARCA4 (SWI/SNF related BAF chromatin remodeling complex subunit ATPase 4; plus strand). Cytogenetic location: 19p13.2.
Variant type: single nucleotide variant.
Coding change: c.3216-168A>G on transcript NM_003072.5 (MANE Select); 168 bases into the intron before coding-DNA position 3216, A replaced by G.
Molecular consequence: intron variant.
Genome position (GRCh38, 1-based): chr19:11,027,616, A>G. VCF-style: chr19-11027616-A-G. GRCh37 (hg19) VCF-style: chr19-11138292-A-G.
Other names: c.3216-168A>G (NM_001128844.3, NM_001128849.3, NM_001128847.4 and 5 more transcripts).
Identifiers: ClinVar variation 677756 (VCV000677756.1), dbSNP rs73500673, ClinGen allele CA305278848.

ClinVar aggregate classification (germline): Benign (1 of 4 stars; one submission).

Allele frequency attached by ClinVar (database versions not stated): gnomAD exomes 0.03282; gnomAD 0.04353 and 0.04421; TOPMed 0.04469; 1000 Genomes Project 0.04513; 1000 Genomes Project 30x 0.04841.
gnomAD v4.1: 26,144 of 741,816 alleles (3.5%); highest among the groups gnomAD compares: Middle Eastern, 9%; 644 homozygotes.

Submission:

GeneDx
Classification: Benign. Last evaluated: 2018-06-18. Review status: criteria provided, single submitter. Criteria: GeneDx Variant Classification (06012015). Collection method: clinical testing. Allele origin: germline. Affected: yes.
Comment: This variant is considered likely benign or benign based on one or more of the following criteria: it is a conservative change, it occurs at a poorly conserved position in the protein, it is predicted to be benign by multiple in silico algorithms, and/or has population frequency not consistent with disease.